The following is an entry in ClinVar:

NM_000135.4(FANCA):c.650T>G (p.Leu217Arg)

Gene: FANCA (FA complementation group A; minus strand). Cytogenetic location: 16q24.3.
Variant type: single nucleotide variant.
Coding change: c.650T>G on transcript NM_000135.4 (MANE Select); coding-DNA position 650, T replaced by G.
Protein change: p.Leu217Arg; replaces leucine 217 with arginine.
Molecular consequence: missense variant.
Genome position (GRCh38, 1-based): chr16:89,805,339, A>C on the plus strand (T>G on the coding strand, the complement: FANCA is on the minus strand). VCF-style: chr16-89805339-A-C. GRCh37 (hg19) VCF-style: chr16-89871747-A-C.
Other names: c.650T>G, p.Leu217Arg (NM_001018112.3, NM_001286167.3); c.554T>G, p.Leu185Arg (NM_001351830.2); short protein forms L217R, L185R.
Identifiers: ClinVar variation 3681517 (VCV003681517.2).

ClinVar aggregate classification (germline): Uncertain significance (1 of 4 stars; one submission).

Conditions:
Fanconi anemia (FA). Also called: Fanconi's anemia. Identifiers: Orphanet 84, MedGen C0015625, MeSH D005199, MONDO:0019391.

Submission:

Labcorp Genetics (formerly Invitae), Labcorp
Classification: Uncertain significance for Fanconi anemia. Last evaluated: 2024-04-06. Review status: criteria provided, single submitter. Criteria: Invitae Variant Classification Sherloc (09022015). Collection method: clinical testing. Allele origin: germline.
Comment: This sequence change replaces leucine, which is neutral and non-polar, with arginine, which is basic and polar, at codon 217 of the FANCA protein (p.Leu217Arg). This variant is not present in population databases (gnomAD no frequency). This variant has not been reported in the literature in individuals affected with FANCA-related conditions. Advanced modeling of protein sequence and biophysical properties (such as structural, functional, and spatial information, amino acid conservation, physicochemical variation, residue mobility, and thermodynamic stability) performed at Invitae indicates that this missense variant is expected to disrupt FANCA protein function with a positive predictive value of 80%. In summary, the available evidence is currently insufficient to determine the role of this variant in disease. Therefore, it has been classified as a Variant of Uncertain Significance.